The following is an entry in ClinVar:

ClinVar aggregate classification (germline): Uncertain significance. Review status: criteria provided, multiple submitters, no conflicts (2 of 4 stars). 3 submissions from 3 submitters: Uncertain significance (2). 1 of the submissions does not count toward it. Last evaluated 2025-11-10.

Conditions:
DYRK1B-related disorder. Also called: DYRK1B-related condition.
Inborn genetic diseases. Identifiers: MedGen C0950123, MeSH D030342.

gnomAD v4.1: 43 of 1,559,866 alleles (0.0028%); highest among the groups gnomAD compares: Non-Finnish European, 0.003%; no homozygotes.

Submissions (3):

Labcorp Genetics (formerly Invitae), Labcorp
Classification: Uncertain significance. Last evaluated: 2025-11-10. Review status: criteria provided, single submitter. Criteria: Invitae Variant Classification Sherloc (09022015). Collection method: clinical testing. Allele origin: germline.
Comment: This sequence change replaces methionine, which is neutral and non-polar, with leucine, which is neutral and non-polar, at codon 564 of the DYRK1B protein (p.Met564Leu). This variant is present in population databases (rs750237186, gnomAD 0.005%). This variant has not been reported in the literature in individuals affected with DYRK1B-related conditions. ClinVar contains an entry for this variant (Variation ID: 3350340). Invitae Evidence Modeling of protein sequence and biophysical properties (such as structural, functional, and spatial information, amino acid conservation, physicochemical variation, residue mobility, and thermodynamic stability) indicates that this missense variant is not expected to disrupt DYRK1B protein function with a negative predictive value of 95%. In summary, the available evidence is currently insufficient to determine the role of this variant in disease. Therefore, it has been classified as a Variant of Uncertain Significance.

Ambry Genetics
Classification: Uncertain significance for Inborn genetic diseases. Last evaluated: 2024-09-26. Review status: criteria provided, single submitter. Criteria: Ambry Variant Classification Scheme 2023. Collection method: clinical testing. Allele origin: germline.

PreventionGenetics, part of Exact Sciences
Classification: Uncertain significance for DYRK1B-related condition. Last evaluated: 2024-02-07. Review status: no assertion criteria provided. Collection method: clinical testing. Allele origin: germline. Not counted in ClinVar's aggregate classification.
Comment: The DYRK1B c.1690A>T variant is predicted to result in the amino acid substitution p.Met564Leu. To our knowledge, this variant has not been reported in the literature. This variant is reported in 0.0049% of alleles in individuals of European (non-Finnish) descent in gnomAD. At this time, the clinical significance of this variant is uncertain due to the absence of conclusive functional and genetic evidence.

NM_004714.3(DYRK1B):c.1690A>T (p.Met564Leu)

Gene: DYRK1B (dual specificity tyrosine phosphorylation regulated kinase 1B; minus strand). Cytogenetic location: 19q13.2.
Variant type: single nucleotide variant.
Coding change: c.1690A>T on transcript NM_004714.3 (MANE Select); coding-DNA position 1690, A replaced by T.
Protein change: p.Met564Leu; replaces methionine 564 with leucine.
Molecular consequence: missense variant.
Genome position (GRCh38, 1-based): chr19:39,825,915, T>A on the plus strand (A>T on the coding strand, the complement: DYRK1B is on the minus strand). VCF-style: chr19-39825915-T-A. GRCh37 (hg19) VCF-style: chr19-40316555-T-A.
Other names: c.1690A>T (NM_004714.1); c.1570A>T, p.Met524Leu (NM_006483.3); c.1606A>T, p.Met536Leu (NM_006484.3); short protein forms M524L, M536L, M564L.
Identifiers: ClinVar variation 3350340 (VCV003350340.4).
Genomic context (GRCh38, chr19:39,825,915, plus strand): 5'-GGGCAGGCGCTGGGTGAGGTGGGGAGCAGTCAGCAGGGCCGCCCACCAGGCTCACATCCA[T>A]CAGCTCCGGGGGTGGTGGTGAGGTTGGTGATGGGGGACGACCAAGGTATCGGGGCTGGGG-3'
Protein context (NP_004705.1, residues 554-574): SPTSPPPPEL[Met564Leu]DVSLVGGPAD